The following is an entry in ClinVar:

NM_002693.3(POLG):c.3712G>C (p.Gly1238Arg)

Genes: POLG (DNA polymerase gamma, catalytic subunit; minus strand), FANCI (FA complementation group I; plus strand). Cytogenetic location: 15q26.1.
Variant type: single nucleotide variant.
Coding change: c.3712G>C on transcript NM_002693.3 (MANE Select); coding-DNA position 3712, G replaced by C.
Protein change: p.Gly1238Arg; replaces glycine 1238 with arginine.
Molecular consequence: missense variant. On other transcripts: 3 prime UTR variant (4).
Genome position (GRCh38, 1-based): chr15:89,316,759, C>G on the plus strand (G>C on the coding strand, the complement: POLG is on the minus strand). VCF-style: chr15-89316759-C-G. GRCh37 (hg19) VCF-style: chr15-89859990-C-G.
Other names: c.3712G>C, p.Gly1238Arg (NM_001126131.2); c.*300C>G (NM_001113378.2, NM_001376910.1, NM_001376911.1 and 1 more transcripts); short protein forms G1238R.
Identifiers: ClinVar variation 576761 (VCV000576761.11), dbSNP rs1024234712, ClinGen allele CA274538370.

ClinVar aggregate classification (germline): Uncertain significance (1 of 4 stars; one submission).

Conditions:
Progressive sclerosing poliodystrophy (MTDPS4A). Also called: Mitochondrial DNA depletion syndrome 4A (Alpers type); Mitochondrial DNA Depletion Syndrome 4A; Alpers Syndrome; ALPERS DIFFUSE DEGENERATION OF CEREBRAL GRAY MATTER WITH HEPATIC CIRRHOSIS; Alpers-Huttenlocher Syndrome; ALPERS PROGRESSIVE INFANTILE POLIODYSTROPHY. Identifiers: Orphanet 726, MedGen C0205710, MONDO:0008758, OMIM 203700.

Allele frequency attached by ClinVar (database versions not stated): TOPMed 0.00002; gnomAD 0.00001; gnomAD exomes 0.00001.
gnomAD v4.1: 13 of 1,612,552 alleles (0.00081%); highest among the groups gnomAD compares: African/African-American, 0.0027%; no homozygotes.

Submission:

Labcorp Genetics (formerly Invitae), Labcorp
Classification: Uncertain significance for Progressive sclerosing poliodystrophy. Last evaluated: 2025-08-29. Review status: criteria provided, single submitter. Criteria: Invitae Variant Classification Sherloc (09022015). Collection method: clinical testing. Allele origin: germline.
Comment: This sequence change replaces glycine, which is neutral and non-polar, with arginine, which is basic and polar, at codon 1238 of the POLG protein (p.Gly1238Arg). This variant is not present in population databases (gnomAD no frequency). This variant has not been reported in the literature in individuals affected with POLG-related conditions. ClinVar contains an entry for this variant (Variation ID: 576761). Invitae Evidence Modeling of protein sequence and biophysical properties (such as structural, functional, and spatial information, amino acid conservation, physicochemical variation, residue mobility, and thermodynamic stability) indicates that this missense variant is not expected to disrupt POLG protein function with a negative predictive value of 95%. In summary, the available evidence is currently insufficient to determine the role of this variant in disease. Therefore, it has been classified as a Variant of Uncertain Significance.